The following is an entry in ClinVar:

ClinVar aggregate classification (germline): Likely pathogenic (1 of 4 stars; one submission).

Conditions:
Megalencephalic leukoencephalopathy with subcortical cysts 1 (MLC1). Also called: LEUKOENCEPHALOPATHY WITH SWELLING AND CYSTS; VACUOLATING MEGALENCEPHALIC LEUKOENCEPHALOPATHY WITH SUBCORTICAL CYSTS. Identifiers: Orphanet 2478, MedGen C5779875, MONDO:0024555, OMIM 604004.

Submission:

Myriad Genetics, Inc.
Classification: Likely pathogenic for Megalencephalic leukoencephalopathy with subcortical cysts 1. Last evaluated: 2019-06-07. Review status: criteria provided, single submitter. Criteria: Myriad Women's Health Autosomal Recessive and X-Linked Classification Criteria (2019). Collection method: clinical testing. Allele origin: unknown.
Comment: NM_015166.3(MLC1):c.413C>A(S138*) is expected to be pathogenic in the context of megalencephalic leukoencephalopathy with subcortical cysts. This variant is predicted to lead to an abnormal or absent protein product due to the creation of a premature termination codon in MLC1, a gene where loss-of-function variants are known to be pathogenic. Please note: this variant was assessed in the context of healthy population screening.

NM_015166.4(MLC1):c.413C>A (p.Ser138Ter)

Gene: MLC1 (modulator of VRAC current 1; minus strand). Cytogenetic location: 22q13.33.
Variant type: single nucleotide variant.
Coding change: c.413C>A on transcript NM_015166.4 (MANE Select); coding-DNA position 413, C replaced by A.
Protein change: p.Ser138Ter; replaces serine 138 with a stop codon.
Molecular consequence: nonsense. On other transcripts: non-coding transcript variant (3), intron variant (3).
Genome position (GRCh38, 1-based): chr22:50,079,928, G>T on the plus strand (C>A on the coding strand, the complement: MLC1 is on the minus strand). VCF-style: chr22-50079928-G-T. GRCh37 (hg19) VCF-style: chr22-50518357-G-T.
Other names: c.413C>A, p.Ser138Ter (NM_001376472.1, NM_001376473.1, NM_001376474.1 and 6 more transcripts); c.323C>A, p.Ser108Ter (NM_001376480.1); c.176C>A, p.Ser59Ter (NM_001376484.1); c.268-2426C>A (NM_001376482.1, NM_001376483.1); c.321+416C>A (NM_001376481.1); short protein forms S108*, S138*, S59*.
Identifiers: ClinVar variation 983680 (VCV000983680.3), dbSNP rs2062076867, ClinGen allele CA412110561.